The following is an entry in ClinVar:

NM_014494.4(TNRC6A):c.2241C>T (p.Asp747=)

Gene: TNRC6A (trinucleotide repeat containing adaptor 6A; plus strand). Cytogenetic location: 16p12.1.
Variant type: single nucleotide variant.
Coding change: c.2241C>T on transcript NM_014494.4 (MANE Select); coding-DNA position 2241, C replaced by T.
Protein change: p.Asp747=; no amino-acid change (aspartic acid 747 retained).
Molecular consequence: synonymous variant.
Genome position (GRCh38, 1-based): chr16:24,790,883, C>T. VCF-style: chr16-24790883-C-T. GRCh37 (hg19) VCF-style: chr16-24802204-C-T.
Other names: c.2241C>T, p.Asp747= (NM_001330520.3, NM_020847.1); c.2268C>T, p.Asp756= (NM_001351850.2).
Identifiers: ClinVar variation 2672624 (VCV002672624.23), dbSNP rs113288384, ClinGen allele CA7968695.

ClinVar aggregate classification (germline): Likely benign (1 of 4 stars; one submission).

Allele frequency attached by ClinVar (database versions not stated): gnomAD exomes 0.00003; ExAC 0.00005; gnomAD 0.00013; ESP Exome Variant Server 0.00015; 1000 Genomes Project 30x 0.00016; TOPMed 0.00017; 1000 Genomes Project 0.00020.
gnomAD v4.1: 75 of 1,614,128 alleles (0.0046%); highest among the groups gnomAD compares: African/African-American, 0.063%; 1 homozygote.

Submission:

CeGaT Center for Human Genetics Tuebingen
Classification: Likely benign. Last evaluated: 2023-10-01. Review status: criteria provided, single submitter. Criteria: CeGaT Center For Human Genetics Tuebingen Variant Classification Criteria Version 2. Collection method: clinical testing. Allele origin: germline. Affected: yes. Observed: 1 variant allele.
Comment: TNRC6A: BP4, BP7